The following is an entry in ClinVar:

NM_003055.3(SLC18A3):c.634C>T (p.Arg212Cys)

Genes: CHAT (choline O-acetyltransferase; plus strand), SLC18A3 (solute carrier family 18 member A3; plus strand). Cytogenetic location: 10q11.23.
Variant type: single nucleotide variant.
Coding change: c.634C>T on transcript NM_003055.3 (MANE Select); coding-DNA position 634, C replaced by T.
Protein change: p.Arg212Cys; replaces arginine 212 with cysteine.
Molecular consequence: missense variant. On other transcripts: intron variant (1).
Genome position (GRCh38, 1-based): chr10:49,611,374, C>T. VCF-style: chr10-49611374-C-T. GRCh37 (hg19) VCF-style: chr10-50819420-C-T.
Other names: c.-69+2175C>T (NM_020984.4); short protein forms R212C.
Identifiers: ClinVar variation 1956900 (VCV001956900.3), dbSNP rs776734969, ClinGen allele CA5496807.

ClinVar aggregate classification (germline): Uncertain significance. Review status: criteria provided, multiple submitters, no conflicts (2 of 4 stars). 2 submissions from 2 submitters: Uncertain significance (2). Last evaluated 2022-08-22.

Conditions:
Inborn genetic diseases. Identifiers: MedGen C0950123, MeSH D030342.

Allele frequency attached by ClinVar (database versions not stated): ExAC 0.00002.
gnomAD v4.1: 5 of 1,599,590 alleles (0.00031%); highest among the groups gnomAD compares: Admixed American, 0.005%; no homozygotes.

Submissions (2):

Labcorp Genetics (formerly Invitae), Labcorp
Classification: Uncertain significance. Last evaluated: 2022-08-22. Review status: criteria provided, single submitter. Criteria: Invitae Variant Classification Sherloc (09022015). Collection method: clinical testing. Allele origin: germline.
Comment: This sequence change replaces arginine, which is basic and polar, with cysteine, which is neutral and slightly polar, at codon 212 of the SLC18A3 protein (p.Arg212Cys). This variant is present in population databases (rs776734969, gnomAD 0.009%). This variant has not been reported in the literature in individuals affected with SLC18A3-related conditions. Algorithms developed to predict the effect of missense changes on protein structure and function (SIFT, PolyPhen-2, Align-GVGD) all suggest that this variant is likely to be disruptive. In summary, the available evidence is currently insufficient to determine the role of this variant in disease. Therefore, it has been classified as a Variant of Uncertain Significance.

Ambry Genetics
Classification: Uncertain significance for Inborn genetic diseases. Last evaluated: 2022-06-09. Review status: criteria provided, single submitter. Criteria: Ambry Variant Classification Scheme 2023. Collection method: clinical testing. Allele origin: germline.